The following is an entry in ClinVar:

ClinVar aggregate classification (germline): Uncertain significance (1 of 4 stars; one submission).

Conditions:
Cardiovascular phenotype. Identifiers: MedGen CN230736.

Submission:

Ambry Genetics
Classification: Uncertain significance for Cardiovascular phenotype. Last evaluated: 2023-08-07. Review status: criteria provided, single submitter. Criteria: Ambry Variant Classification Scheme 2023. Collection method: clinical testing. Allele origin: germline.
Comment: The p.K3558R variant (also known as c.10673A>G), located in coding exon 16 of the ALMS1 gene, results from an A to G substitution at nucleotide position 10673. The lysine at codon 3558 is replaced by arginine, an amino acid with highly similar properties. This amino acid position is not well conserved in available vertebrate species. In addition, this alteration is predicted to be tolerated by in silico analysis. Since supporting evidence is limited at this time, the clinical significance of this alteration remains unclear.

NM_001378454.1(ALMS1):c.10670A>G (p.Lys3557Arg)

Gene: ALMS1 (ALMS1 centrosome and basal body associated protein; plus strand). Cytogenetic location: 2p13.1.
Variant type: single nucleotide variant.
Coding change: c.10670A>G on transcript NM_001378454.1 (MANE Select); coding-DNA position 10670, A replaced by G.
Protein change: p.Lys3557Arg; replaces lysine 3557 with arginine.
Molecular consequence: missense variant.
Genome position (GRCh38, 1-based): chr2:73,572,547, A>G. VCF-style: chr2-73572547-A-G. GRCh37 (hg19) VCF-style: chr2-73799674-A-G.
Other names: c.10673A>G, p.Lys3558Arg (NM_015120.4); short protein forms K3558R, K3557R.
Identifiers: ClinVar variation 2626193 (VCV002626193.2), dbSNP rs2466444090, ClinGen allele CA347284647.